The following is an entry in ClinVar:

NM_000975.5(RPL11):c.95_96del (p.Arg32fs)

Gene: RPL11 (ribosomal protein L11; plus strand). Cytogenetic location: 1p36.11.
Variant type: Deletion.
Coding change: c.95_96del on transcript NM_000975.5 (MANE Select); coding-DNA positions 95 to 96, 2 bases deleted (GA; older notation c.95_96delGA).
Protein change: p.Arg32fs; shifts the reading frame from arginine 32.
Molecular consequence: frameshift variant.
Genome position (GRCh38, 1-based): chr1:23,692,697-23,692,698, GA deleted; deleting any 2 consecutive bases within chr1:23,692,696-23,692,698 gives the same sequence; the c. name uses the placement nearest the transcript's 3' end. VCF-style (leftmost placement, unchanged base first): chr1-23692695-CAG-C. GRCh37 (hg19) VCF-style: chr1-24019185-CAG-C.
Other names: c.92_93del, p.Arg31fs (NM_001199802.1); short protein forms R31fs, R32fs.
Identifiers: ClinVar variation 2431941 (VCV002431941.1), dbSNP rs2523395104, ClinGen allele CA2580061505.

ClinVar aggregate classification (germline): Pathogenic (1 of 4 stars; one submission).

Conditions:
Diamond-Blackfan anemia 7 (DBA7). Also called: RPL11-Related Diamond-Blackfan Anemia. Identifiers: Orphanet 124, MedGen C2675512, MONDO:0012938, OMIM 612562.

Submission:

Laboratorio de Genetica e Diagnostico Molecular, Hospital Israelita Albert Einstein
Classification: Pathogenic for Diamond-Blackfan anemia 7. Last evaluated: 2022-05-27. Review status: criteria provided, single submitter. Criteria: ACMG Guidelines, 2015. Collection method: clinical testing. Allele origin: germline. Affected: yes. Observed: 1 variant allele.
Comment: ACMG classification criteria: PVS1 very strong, PS4 supporting, PM2 moderated